The following is an entry in ClinVar:

ClinVar aggregate classification (germline): Uncertain significance (1 of 4 stars; one submission).

Conditions:
Retinoblastoma (RB1). Also called: RETINOBLASTOMA, SOMATIC. Identifiers: Orphanet 790, MedGen C0035335, MeSH D012175, MONDO:0008380, OMIM 180200, HP:0009919. Disease mechanism: loss of function. Inheritance: Both sporadic and heritable forms are tested..

Submission:

St. Jude Molecular Pathology, St. Jude Children's Research Hospital
Classification: Uncertain significance for Retinoblastoma. Last evaluated: 2023-02-16. Review status: criteria provided, single submitter. Criteria: St. Jude Assertion Criteria 2020. Collection method: clinical testing. Allele origin: germline. Affected: yes.
Comment: The RB1 c.1893del (p.Ala632GlnfsTer11) change deletes one nucleotide to cause a frameshift and the creation of a premature stop codon. This change is predicted to cause protein truncation or absence of protein due to nonsense-mediated decay. This has been identified in individuals with bilateral retinoblastoma (PMID: 28803391, internal data). This variant is absent in gnomAD v2.1.1. In summary, this variant meets criteria to be classified as pathogenic.

NM_000321.3(RB1):c.1893del (p.Ala632fs)

Gene: RB1 (RB transcriptional corepressor 1; plus strand). Cytogenetic location: 13q14.2.
Variant type: Deletion.
Coding change: c.1893del on transcript NM_000321.3 (MANE Select); coding-DNA position 1893, one base deleted (A; older notation c.1893delA).
Protein change: p.Ala632fs; shifts the reading frame from alanine 632.
Molecular consequence: frameshift variant.
Genome position (GRCh38, 1-based): chr13:48,456,282, A deleted; the last of 2 consecutive A bases (chr13:48,456,281-48,456,282); deleting either gives the same sequence. VCF-style (leftmost placement, unchanged base first): chr13-48456280-CA-C. GRCh37 (hg19) VCF-style: chr13-49030416-CA-C.
Other names: c.1893delA, p.Ala632Glnfs (NM_000321.2, NM_001407165.1); short protein forms A632fs.
Identifiers: ClinVar variation 2444875 (VCV002444875.1), dbSNP rs2542364176, ClinGen allele CA2580087587.
Genomic context (GRCh38, chr13:48,456,280, plus strand): 5'-AGATCTCCAAAGAAAAAAGGTTCAACTACGCGTGTAAATTCTACTGCAAATGCAGAGACA[CA>C]AGCAACCTCAGCCTTCCAGACCCAGAAGCCATTGAAATCTACCTCTCTTTCACTGTTTTA-3'